The following is an entry in ClinVar:

ClinVar aggregate classification (germline): Uncertain significance (1 of 4 stars; one submission).

Allele frequency attached by ClinVar (database versions not stated): gnomAD exomes 0.00002 and 0.00009; ExAC 0.00008; gnomAD 0.00019 and 0.00021; 1000 Genomes Project 0.00020; ESP Exome Variant Server 0.00023; TOPMed 0.00027; 1000 Genomes Project 30x 0.00031.
gnomAD v4.1: 69 of 1,613,364 alleles (0.0043%); highest among the groups gnomAD compares: African/African-American, 0.075%; no homozygotes.

Submission:

Labcorp Genetics (formerly Invitae), Labcorp
Classification: Uncertain significance. Last evaluated: 2025-05-27. Review status: criteria provided, single submitter. Criteria: Invitae Variant Classification Sherloc (09022015). Collection method: clinical testing. Allele origin: germline.
Comment: This sequence change replaces alanine, which is neutral and non-polar, with threonine, which is neutral and polar, at codon 137 of the NDUFA11 protein (p.Ala137Thr). This variant is present in population databases (rs151240763, gnomAD 0.1%). This variant has not been reported in the literature in individuals affected with NDUFA11-related conditions. ClinVar contains an entry for this variant (Variation ID: 1462381). An algorithm developed to predict the effect of missense changes on protein structure and function (PolyPhen-2) suggests that this variant is likely to be tolerated. In summary, the available evidence is currently insufficient to determine the role of this variant in disease. Therefore, it has been classified as a Variant of Uncertain Significance.

NM_175614.5(NDUFA11):c.409G>A (p.Ala137Thr)

Gene: NDUFA11 (NADH:ubiquinone oxidoreductase subunit A11; minus strand). Cytogenetic location: 19p13.3.
Variant type: single nucleotide variant.
Coding change: c.409G>A on transcript NM_175614.5 (MANE Select); coding-DNA position 409, G replaced by A.
Protein change: p.Ala137Thr; replaces alanine 137 with threonine.
Molecular consequence: missense variant. On other transcripts: non-coding transcript variant (1), intron variant (1).
Genome position (GRCh38, 1-based): chr19:5,894,759, C>T on the plus strand (G>A on the coding strand, the complement: NDUFA11 is on the minus strand). VCF-style: chr19-5894759-C-T. GRCh37 (hg19) VCF-style: chr19-5894770-C-T.
Other names: c.314-1469G>A (NM_001193375.3); short protein forms A137T.
Identifiers: ClinVar variation 1462381 (VCV001462381.4), dbSNP rs151240763, ClinGen allele CA9118891.
Genomic context (GRCh38, chr19:5,894,759, plus strand): 5'-CTGGACGCATTCTGCAGGCTGGAGGTCCCGGCAGGCACAGGGCTCACACCTTGGGTTTTG[C>T]AAACACCTCCCAGCCCTCCAGCCGGCCCATCTTGACCAGGGAGGCCGCTATGCCAAAGTA-3'
Protein context (NP_783313.1, residues 127-141): MGRLEGWEVF[Ala137Thr]KPKV